The following is an entry in ClinVar:

NM_144585.4(SLC22A12):c.506+1G>A

Gene: SLC22A12 (solute carrier family 22 member 12; plus strand). Cytogenetic location: 11q13.1.
Variant type: single nucleotide variant.
Coding change: c.506+1G>A on transcript NM_144585.4 (MANE Select); the canonical splice donor site of the intron after coding-DNA position 506, G replaced by A.
Molecular consequence: splice donor variant.
Genome position (GRCh38, 1-based): chr11:64,592,883, G>A. VCF-style: chr11-64592883-G-A. GRCh37 (hg19) VCF-style: chr11-64360355-G-A.
Other names: c.506+1G>A (NM_001276326.2, NM_001276327.2); c.-3+1G>A (NM_153378.3).
Identifiers: ClinVar variation 3599964 (VCV003599964.4).

ClinVar aggregate classification (germline): Pathogenic. Review status: criteria provided, multiple submitters, no conflicts (2 of 4 stars). 3 submissions from 3 submitters: Pathogenic (3). Last evaluated 2025-03-24.

Conditions:
Dalmatian hypouricemia (RHUC1). Identifiers: MedGen C0473219, MONDO:0020728, OMIM 220150.

Submissions (3):

Labcorp Genetics (formerly Invitae), Labcorp
Classification: Pathogenic. Last evaluated: 2025-03-24. Review status: criteria provided, single submitter. Criteria: Invitae Variant Classification Sherloc (09022015). Collection method: clinical testing. Allele origin: germline.
Comment: This sequence change affects a donor splice site in intron 2 of the SLC22A12 gene. It is expected to disrupt RNA splicing. Variants that disrupt the donor or acceptor splice site typically lead to a loss of protein function (PMID: 16199547), and loss-of-function variants in SLC22A12 are known to be pathogenic (PMID: 14694169). This variant is present in population databases (rs58174038, gnomAD 0.04%). Disruption of this splice site has been observed in individuals with hypouricemia (PMID: 14694169, 33011794, 37144129). ClinVar contains an entry for this variant (Variation ID: 3599964). Algorithms developed to predict the effect of sequence changes on RNA splicing suggest that this variant may disrupt the consensus splice site. For these reasons, this variant has been classified as Pathogenic.

Fulgent Genetics
Classification: Pathogenic for Dalmatian hypouricemia. Last evaluated: 2024-02-05. Review status: criteria provided, single submitter. Criteria: ACMG Guidelines, 2015. Collection method: clinical testing. Allele origin: germline.

Juno Genomics, Hangzhou Juno Genomics, Inc
Classification: Pathogenic for Dalmatian hypouricemia. Review status: criteria provided, single submitter. Criteria: ACMG Guidelines, 2015. Collection method: clinical testing. Allele origin: germline.
Comment: Null variant in a gene where loss of function (LOF) is a known mechanism of disease.;Absent from controls (or at extremely low frequency if recessive) in Genome Aggregation Database.;For recessive disorders, detected in trans with a pathogenic variant.;Patient's phenotype or family history is highly specific for a disease with a single genetic etiology.

Literature cited by the submitters: PubMed 16199547 (cited by Labcorp Genetics (formerly Invitae), Labcorp); PubMed 14694169 (cited by Labcorp Genetics (formerly Invitae), Labcorp); PubMed 33011794 (cited by Labcorp Genetics (formerly Invitae), Labcorp); PubMed 37144129 (cited by Labcorp Genetics (formerly Invitae), Labcorp).